The following is an entry in ClinVar:

ClinVar aggregate classification (germline): Uncertain significance (1 of 4 stars; one submission).

gnomAD v4.1: 1 of 1,613,868 alleles (0.000062%); highest among the groups gnomAD compares: Non-Finnish European, 0.000085%; no homozygotes.

Submission:

Labcorp Genetics (formerly Invitae), Labcorp
Classification: Uncertain significance. Last evaluated: 2024-12-24. Review status: criteria provided, single submitter. Criteria: Invitae Variant Classification Sherloc (09022015). Collection method: clinical testing. Allele origin: germline.
Comment: This sequence change replaces threonine, which is neutral and polar, with isoleucine, which is neutral and non-polar, at codon 453 of the ANXA11 protein (p.Thr453Ile). This variant is not present in population databases (gnomAD no frequency). This variant has not been reported in the literature in individuals affected with ANXA11-related conditions. An algorithm developed to predict the effect of missense changes on protein structure and function (PolyPhen-2) suggests that this variant is likely to be disruptive. In summary, the available evidence is currently insufficient to determine the role of this variant in disease. Therefore, it has been classified as a Variant of Uncertain Significance.

NM_145868.2(ANXA11):c.1358C>T (p.Thr453Ile)

Gene: ANXA11 (annexin A11; minus strand). Cytogenetic location: 10q22.3.
Variant type: single nucleotide variant.
Coding change: c.1358C>T on transcript NM_145868.2 (MANE Select); coding-DNA position 1358, C replaced by T.
Protein change: p.Thr453Ile; replaces threonine 453 with isoleucine.
Molecular consequence: missense variant.
Genome position (GRCh38, 1-based): chr10:80,157,741, G>A on the plus strand (C>T on the coding strand, the complement: ANXA11 is on the minus strand). VCF-style: chr10-80157741-G-A. GRCh37 (hg19) VCF-style: chr10-81917497-G-A.
Other names: c.1358C>T, p.Thr453Ile (NM_001157.3, NM_001278407.2, NM_001278408.2 and 1 more transcripts); c.1259C>T, p.Thr420Ile (NM_001278409.2); short protein forms T453I, T420I.
Identifiers: ClinVar variation 3675733 (VCV003675733.2).